The following is an entry in ClinVar:

NM_001134363.3(RBM20):c.1178C>T (p.Pro393Leu)

Gene: RBM20 (RNA binding motif protein 20; plus strand). Cytogenetic location: 10q25.2.
Variant type: single nucleotide variant.
Coding change: c.1178C>T on transcript NM_001134363.3 (MANE Select); coding-DNA position 1178, C replaced by T.
Protein change: p.Pro393Leu; replaces proline 393 with leucine.
Molecular consequence: missense variant.
Genome position (GRCh38, 1-based): chr10:110,781,787, C>T. VCF-style: chr10-110781787-C-T. GRCh37 (hg19) VCF-style: chr10-112541545-C-T.
Other names: short protein forms P393L.
Identifiers: ClinVar variation 1741263 (VCV001741263.2), dbSNP rs757574546, ClinGen allele CA378385883.
Genomic context (GRCh38, chr10:110,781,787, plus strand): 5'-AGGGTTTTATCGGTGCTGGGCGGAGGGCCAAGGAGGACCAGGCGTTGCTATCTGTGCGGC[C>T]CCTGCAGGCTCATGAGCTGAACGACTTTCACGGTGTGGCCCCCCTCCACTTGCCGCATAT-3'
Protein context (NP_001127835.2, residues 383-403): KEDQALLSVR[Pro393Leu]LQAHELNDFH

ClinVar aggregate classification (germline): Uncertain significance (1 of 4 stars; one submission).

Conditions:
Cardiovascular phenotype. Identifiers: MedGen CN230736.

gnomAD v4.1: 1 of 1,551,810 alleles (0.000064%); highest among the groups gnomAD compares: Non-Finnish European, 0.000087%; no homozygotes.

Submission:

Ambry Genetics
Classification: Uncertain significance for Cardiovascular phenotype. Last evaluated: 2022-01-26. Review status: criteria provided, single submitter. Criteria: Ambry Variant Classification Scheme 2023. Collection method: clinical testing. Allele origin: germline.
Comment: The p.P393L variant (also known as c.1178C>T), located in coding exon 2 of the RBM20 gene, results from a C to T substitution at nucleotide position 1178. The proline at codon 393 is replaced by leucine, an amino acid with similar properties. This amino acid position is conserved. In addition, the in silico prediction for this alteration is inconclusive. Since supporting evidence is limited at this time, the clinical significance of this alteration remains unclear.